The following is an entry in ClinVar:

ClinVar aggregate classification (germline): Uncertain significance. Review status: criteria provided, multiple submitters, no conflicts (2 of 4 stars). 3 submissions from 3 submitters: Uncertain significance (3). Last evaluated 2022-10-17.

Conditions:
Chédiak-Higashi syndrome (CHS). Also called: Chediak-Higashi Syndrome. Identifiers: Orphanet 167, MedGen C0007965, MONDO:0008963, OMIM 214500.

Allele frequency attached by ClinVar (database versions not stated): gnomAD exomes 0.00001; ExAC 0.00002; TOPMed 0.00002; gnomAD 0.00004.
gnomAD v4.1: 17 of 1,613,552 alleles (0.0011%); highest among the groups gnomAD compares: Middle Eastern, 0.05%; no homozygotes.

Submissions (3):

Labcorp Genetics (formerly Invitae), Labcorp
Classification: Uncertain significance for Chédiak-Higashi syndrome. Last evaluated: 2022-10-17. Review status: criteria provided, single submitter. Criteria: Invitae Variant Classification Sherloc (09022015). Collection method: clinical testing. Allele origin: germline.
Comment: This sequence change replaces alanine, which is neutral and non-polar, with valine, which is neutral and non-polar, at codon 2837 of the LYST protein (p.Ala2837Val). This variant is present in population databases (rs566862751, gnomAD 0.002%). This variant has not been reported in the literature in individuals affected with LYST-related conditions. ClinVar contains an entry for this variant (Variation ID: 1382787). Advanced modeling of protein sequence and biophysical properties (such as structural, functional, and spatial information, amino acid conservation, physicochemical variation, residue mobility, and thermodynamic stability) performed at Invitae indicates that this missense variant is not expected to disrupt LYST protein function. In summary, the available evidence is currently insufficient to determine the role of this variant in disease. Therefore, it has been classified as a Variant of Uncertain Significance.

Fulgent Genetics
Classification: Uncertain significance for Chédiak-Higashi syndrome. Last evaluated: 2021-10-15. Review status: criteria provided, single submitter. Criteria: ACMG Guidelines, 2015. Collection method: clinical testing. Allele origin: unknown.

Revvity Omics, Revvity
Classification: Uncertain significance for Chédiak-Higashi syndrome. Last evaluated: 2019-06-03. Review status: criteria provided, single submitter. Criteria: ACMG Guidelines, 2015. Collection method: clinical testing. Allele origin: germline.

NM_000081.4(LYST):c.8510C>T (p.Ala2837Val)

Gene: LYST (lysosomal trafficking regulator; minus strand). Cytogenetic location: 1q42.3.
Variant type: single nucleotide variant.
Coding change: c.8510C>T on transcript NM_000081.4 (MANE Select); coding-DNA position 8510, C replaced by T.
Protein change: p.Ala2837Val; replaces alanine 2837 with valine.
Molecular consequence: missense variant.
Genome position (GRCh38, 1-based): chr1:235,734,508, G>A on the plus strand (C>T on the coding strand, the complement: LYST is on the minus strand). VCF-style: chr1-235734508-G-A. GRCh37 (hg19) VCF-style: chr1-235897808-G-A.
Other names: c.8510C>T, p.Ala2837Val (NM_001301365.1); short protein forms A2837V.
Identifiers: ClinVar variation 1382787 (VCV001382787.6), dbSNP rs566862751, ClinGen allele CA1465846.